The following is an entry in ClinVar:

NM_138694.4(PKHD1):c.4918G>A (p.Val1640Ile)

Genes: PKHD1 (PKHD1 ciliary IPT domain containing fibrocystin/polyductin; minus strand), LOC126859690 (MED14-independent group 3 enhancer GRCh37_chr6:51888848-51890047; plus strand). Cytogenetic location: 6p12.2.
Variant type: single nucleotide variant.
Coding change: c.4918G>A on transcript NM_138694.4 (MANE Select); coding-DNA position 4918, G replaced by A.
Protein change: p.Val1640Ile; replaces valine 1640 with isoleucine.
Molecular consequence: missense variant.
Genome position (GRCh38, 1-based): chr6:52,024,892, C>T on the plus strand (G>A on the coding strand, the complement: PKHD1 is on the minus strand). VCF-style: chr6-52024892-C-T. GRCh37 (hg19) VCF-style: chr6-51889690-C-T.
Other names: c.4918G>A, p.Val1640Ile (NM_170724.3); short protein forms V1640I.
Identifiers: ClinVar variation 1390587 (VCV001390587.6), dbSNP rs1396314967, ClinGen allele CA364430626.

ClinVar aggregate classification (germline): Uncertain significance. Review status: criteria provided, multiple submitters, no conflicts (2 of 4 stars). 2 submissions from 2 submitters: Uncertain significance (2). Last evaluated 2024-03-27.

Conditions:
Polycystic kidney disease 4 (PKD4). Also called: PKD3; POLYCYSTIC KIDNEY AND HEPATIC DISEASE 1; POLYCYSTIC KIDNEY DISEASE, INFANTILE, TYPE I; POLYCYSTIC KIDNEY DISEASE 4 WITH OR WITHOUT POLYCYSTIC LIVER DISEASE; Autosomal Recessive Polycystic Kidney Disease – PKHD1. Identifiers: MedGen C4540575, MONDO:0033004, OMIM 263200.
Autosomal recessive polycystic kidney disease (ARPKD). Also called: AR polycystic kidney disease. Identifiers: Orphanet 731, Orphanet 8378, MedGen C0085548, MeSH D017044, MONDO:0009889.

Allele frequency attached by ClinVar (database versions not stated): gnomAD exomes below 0.00001; gnomAD 0.00001; TOPMed 0.00001.
gnomAD v4.1: 4 of 1,614,038 alleles (0.00025%); highest among the groups gnomAD compares: African/African-American, 0.0027%; no homozygotes.

Submissions (2):

Fulgent Genetics
Classification: Uncertain significance for Polycystic kidney disease 4. Last evaluated: 2024-03-27. Review status: criteria provided, single submitter. Criteria: ACMG Guidelines, 2015. Collection method: clinical testing. Allele origin: germline.

Labcorp Genetics (formerly Invitae), Labcorp
Classification: Uncertain significance for Autosomal recessive polycystic kidney disease. Last evaluated: 2021-09-01. Review status: criteria provided, single submitter. Criteria: Invitae Variant Classification Sherloc (09022015). Collection method: clinical testing. Allele origin: germline.
Comment: This sequence change replaces valine with isoleucine at codon 1640 of the PKHD1 protein (p.Val1640Ile). The valine residue is moderately conserved and there is a small physicochemical difference between valine and isoleucine. This variant is not present in population databases (ExAC no frequency). This variant has not been reported in the literature in individuals affected with PKHD1-related conditions. Algorithms developed to predict the effect of missense changes on protein structure and function output the following: SIFT: "Tolerated"; PolyPhen-2: "Benign"; Align-GVGD: "Class C0". The isoleucine amino acid residue is found in multiple mammalian species, which suggests that this missense change does not adversely affect protein function. In summary, the available evidence is currently insufficient to determine the role of this variant in disease. Therefore, it has been classified as a Variant of Uncertain Significance.